The following is an entry in ClinVar:

NM_000245.4(MET):c.639G>C (p.Ser213=)

Gene: MET (MET proto-oncogene, receptor tyrosine kinase; plus strand). Cytogenetic location: 7q31.2.
Variant type: single nucleotide variant.
Coding change: c.639G>C on transcript NM_000245.4 (MANE Select); coding-DNA position 639, G replaced by C.
Protein change: p.Ser213=; no amino-acid change (serine 213 retained).
Molecular consequence: synonymous variant. On other transcripts: intron variant (1).
Genome position (GRCh38, 1-based): chr7:116,699,723, G>C. VCF-style: chr7-116699723-G-C. GRCh37 (hg19) VCF-style: chr7-116339777-G-C.
Other names: c.639G>C, p.Ser213= (NM_001127500.3, NM_001324401.3); c.-91+27146G>C (NM_001324402.2).
Identifiers: ClinVar variation 2575476 (VCV002575476.7), dbSNP rs587780738, ClinGen allele CA457447813.

ClinVar aggregate classification (germline): Benign/Likely benign. Review status: criteria provided, multiple submitters, no conflicts (2 of 4 stars). 4 submissions from 4 submitters: Benign (1); Likely benign (3). Last evaluated 2025-04-19.

Conditions:
Papillary renal cell carcinoma type 1 (RCCP1). Also called: Renal adenocarcinoma; Renal cell carcinoma 1; Renal cell carcinoma, somatic; RENAL CELL CARCINOMA, PAPILLARY, 1, SOMATIC. Identifiers: Orphanet 47044, MedGen C1336839, OMIM 605074, HP:0011797.
Renal cell carcinoma. Identifiers: Orphanet 217071, MedGen C0007134, MeSH D002292, MONDO:0005086, HP:0005584.
Hereditary cancer-predisposing syndrome. Also called: Tumor predisposition; Hereditary neoplastic syndrome; Neoplastic Syndromes, Hereditary; Hereditary Cancer Syndrome. Identifiers: Orphanet 140162, MedGen C0027672, MeSH D009386, MONDO:0015356.

gnomAD v4.1: 1 of 1,614,032 alleles (0.000062%); highest among the groups gnomAD compares: Non-Finnish European, 0.000085%; no homozygotes.

Submissions (4):

Ambry Genetics
Classification: Likely benign for Hereditary cancer-predisposing syndrome. Last evaluated: 2025-04-19. Review status: criteria provided, single submitter. Criteria: Ambry Variant Classification Scheme 2023. Collection method: clinical testing. Allele origin: germline.

Center for Genomic Medicine, Rigshospitalet, Copenhagen University Hospital
Classification: Likely benign. Last evaluated: 2025-03-04. Review status: criteria provided, single submitter. Criteria: ACMG Guidelines, 2015. Collection method: clinical testing. Allele origin: germline.

Myriad Genetics, Inc.
Classification: Benign for Papillary renal cell carcinoma type 1. Last evaluated: 2024-11-06. Review status: criteria provided, single submitter. Criteria: Myriad Autosomal Dominant, Autosomal Recessive and X-Linked Classification Criteria (2023). Collection method: clinical testing. Allele origin: unknown.
Comment: This variant is considered benign. This variant is a silent/synonymous amino acid change and it is not expected to impact splicing.

Labcorp Genetics (formerly Invitae), Labcorp
Classification: Likely benign for Renal cell carcinoma. Last evaluated: 2022-12-18. Review status: criteria provided, single submitter. Criteria: Invitae Variant Classification Sherloc (09022015). Collection method: clinical testing. Allele origin: germline.